The following is an entry in ClinVar:

NM_000260.4(MYO7A):c.6013A>T (p.Lys2005Ter)

Gene: MYO7A (myosin VIIA; plus strand). Cytogenetic location: 11q13.5.
Variant type: single nucleotide variant.
Coding change: c.6013A>T on transcript NM_000260.4 (MANE Select); coding-DNA position 6013, A replaced by T.
Protein change: p.Lys2005Ter; replaces lysine 2005 with a stop codon.
Molecular consequence: nonsense.
Genome position (GRCh38, 1-based): chr11:77,208,765, A>T. VCF-style: chr11-77208765-A-T. GRCh37 (hg19) VCF-style: chr11-76919810-A-T.
Other names: c.5899A>T, p.Lys1967Ter (NM_001127180.2); c.5866A>T, p.Lys1956Ter (NM_001369365.1); short protein forms K1956*, K1967*, K2005*.
Identifiers: ClinVar variation 983825 (VCV000983825.3), dbSNP rs186644871, ClinGen allele CA381934488.

ClinVar aggregate classification (germline): Likely pathogenic (1 of 4 stars; one submission).

Conditions:
Usher syndrome type 1 (USH1). Also called: RETINITIS PIGMENTOSA AND CONGENITAL DEAFNESS. Identifiers: Orphanet 231169, Orphanet 886, MedGen C1568247, MONDO:0010168, OMIM 276900.

Submission:

Myriad Genetics, Inc.
Classification: Likely pathogenic for Usher syndrome type 1. Last evaluated: 2019-03-12. Review status: criteria provided, single submitter. Criteria: Myriad Women's Health Autosomal Recessive and X-Linked Classification Criteria (2019). Collection method: clinical testing. Allele origin: unknown.
Comment: NM_000260.3(MYO7A):c.6013A>T(K2005*) is expected to be pathogenic in the context of MYO7A-related disorders. This variant is predicted to lead to an abnormal or absent protein product due to the creation of a premature termination codon in MYO7A, a gene where loss-of-function variants are known to be pathogenic. Please note: this variant was assessed in the context of healthy population screening.